The following is an entry in ClinVar:

NM_000810.4(GABRA5):c.2T>A (p.Met1Lys)

Gene: GABRA5 (gamma-aminobutyric acid type A receptor subunit alpha5; plus strand). Cytogenetic location: 15q12.
Variant type: single nucleotide variant.
Coding change: c.2T>A on transcript NM_000810.4 (MANE Select); coding-DNA position 2, T replaced by A.
Protein change: p.Met1Lys; changes the start codon (methionine 1).
Molecular consequence: missense variant, initiator codon variant.
Genome position (GRCh38, 1-based): chr15:26,869,250, T>A. VCF-style: chr15-26869250-T-A. GRCh37 (hg19) VCF-style: chr15-27114397-T-A.
Other names: c.2T>A, p.Met1Lys (NM_001165037.2); short protein forms M1K.
Identifiers: ClinVar variation 1197752 (VCV001197752.5), dbSNP rs2140239506, ClinGen allele CA391460866.
Genomic context (GRCh38, chr15:26,869,250, plus strand): 5'-GGAGAAGGGAAGAGTTATTCCTCCATATTCACCTGCTTCAACTACTATTCTTATTGGGAA[T>A]GGACAATGGAATGTTCTCTGGTTTTATCATGATCAAAAACCTCCTTCTCTTTTGTATTTC-3'
Protein context (NP_000801.1, residues 1-11): [Met1Lys]DNGMFSGFIM

ClinVar aggregate classification (germline): Uncertain significance (1 of 4 stars; one submission).

Submission:

GeneDx
Classification: Uncertain significance. Last evaluated: 2022-08-23. Review status: criteria provided, single submitter. Criteria: GeneDx Variant Classification Process June 2021. Collection method: clinical testing. Allele origin: germline. Affected: yes.
Comment: Not observed in large population cohorts (gnomAD); Initiation codon variant in a gene for which loss-of-function is not a known mechanism of disease; Has not been previously published as pathogenic or benign to our knowledge